The following is an entry in ClinVar:

NM_032119.4(ADGRV1):c.1168T>C (p.Tyr390His)

Gene: ADGRV1 (adhesion G protein-coupled receptor V1; plus strand). Cytogenetic location: 5q14.3.
Variant type: single nucleotide variant.
Coding change: c.1168T>C on transcript NM_032119.4 (MANE Select); coding-DNA position 1168, T replaced by C.
Protein change: p.Tyr390His; replaces tyrosine 390 with histidine.
Molecular consequence: missense variant. On other transcripts: non-coding transcript variant (1).
Genome position (GRCh38, 1-based): chr5:90,627,706, T>C. VCF-style: chr5-90627706-T-C. GRCh37 (hg19) VCF-style: chr5-89923523-T-C.
Other names: short protein forms Y390H.
Identifiers: ClinVar variation 1370363 (VCV001370363.5), dbSNP rs867362242, ClinGen allele CA121825590.
Genomic context (GRCh38, chr5:90,627,706, plus strand): 5'-GATGCTGTGCTAATAAGCCCTTCTGTTGTACAAGTCACCATTAAGCCAAATGATAAACCT[T>C]ATGGAGTCCTTTCATTCAACAGTGTTTTGTTTGAAAGGACAGTTATAATTGATGAAGATA-3'
Protein context (NP_115495.3, residues 380-400): QVTIKPNDKP[Tyr390His]GVLSFNSVLF

ClinVar aggregate classification (germline): Uncertain significance (1 of 4 stars; one submission).

Allele frequency attached by ClinVar (database versions not stated): gnomAD exomes below 0.00001; gnomAD 0.00001; TOPMed 0.00001.
gnomAD v4.1: 4 of 1,607,172 alleles (0.00025%); highest among the groups gnomAD compares: African/African-American, 0.0054%; no homozygotes.

Submission:

Labcorp Genetics (formerly Invitae), Labcorp
Classification: Uncertain significance. Last evaluated: 2024-07-11. Review status: criteria provided, single submitter. Criteria: Invitae Variant Classification Sherloc (09022015). Collection method: clinical testing. Allele origin: germline.
Comment: This sequence change replaces tyrosine, which is neutral and polar, with histidine, which is basic and polar, at codon 390 of the ADGRV1 protein (p.Tyr390His). This variant is present in population databases (no rsID available, gnomAD 0.007%). This variant has not been reported in the literature in individuals affected with ADGRV1-related conditions. ClinVar contains an entry for this variant (Variation ID: 1370363). An algorithm developed to predict the effect of missense changes on protein structure and function outputs the following: PolyPhen-2: "Possibly Damaging". The histidine amino acid residue is found in multiple mammalian species, which suggests that this missense change does not adversely affect protein function. In summary, the available evidence is currently insufficient to determine the role of this variant in disease. Therefore, it has been classified as a Variant of Uncertain Significance.